The following is an entry in ClinVar:

NC_000001.10:g.(?_9770514)_(11264780_?)del

Genes: SRM (spermidine synthase; minus strand), CIROZ (ciliated left-right organizer protein containing ZP-N domains; minus strand), CLSTN1 (calsyntenin 1; minus strand), PIK3CD (phosphatidylinositol-4,5-bisphosphate 3-kinase catalytic subunit delta; plus strand), RBP7 (retinol binding protein 7; plus strand) and 17 more. Cytogenetic location: 1p36.22.
Variant type: Deletion.
Identifiers: ClinVar variation 2425278 (VCV002425278.6).

ClinVar aggregate classification (germline): Uncertain significance (1 of 4 stars; one submission).

Conditions:
Immunodeficiency 14 (IMD14A). Also called: p110-DELTA-ACTIVATING MUTATION CAUSING SENESCENT T CELLS, LYMPHADENOPATHY, AND IMMUNODEFICIENCY; ACTIVATED PI3K-DELTA SYNDROME 1; Activated PI3K Delta Syndrome Type 1 (APDS1); IMMUNODEFICIENCY 14A WITH LYMPHOPROLIFERATION, AUTOSOMAL DOMINANT. Identifiers: Orphanet 397596, Orphanet 693661, MedGen C5907821, MONDO:0014222, OMIM 615513.

Submission:

Labcorp Genetics (formerly Invitae), Labcorp
Classification: Uncertain significance for Activated PI3K-delta syndrome. Last evaluated: 2022-07-23. Review status: criteria provided, single submitter. Criteria: Invitae Variant Classification Sherloc (09022015). Collection method: clinical testing. Allele origin: germline.
Comment: A gross deletion of the genomic region encompassing the full coding sequence of the PIK3CD gene has been identified. The current clinical and genetic evidence is not sufficient to establish whether loss-of-function variants in PIK3CD cause disease. The boundaries of this event are unknown as they extend beyond the assayed region for this gene and therefore may encompass additional genes. This variant has not been reported in the literature in individuals affected with PIK3CD-related conditions. In summary, the available evidence is currently insufficient to determine the role of this variant in disease. Therefore, it has been classified as a Variant of Uncertain Significance.